The following is an entry in ClinVar:

ClinVar aggregate classification (germline): Uncertain significance (1 of 4 stars; one submission).

Conditions:
Joubert syndrome. Also called: CEREBELLOPARENCHYMAL DISORDER IV; JOUBERT-BOLTSHAUSER SYNDROME; Familial aplasia of the vermis. Identifiers: Orphanet 475, MedGen C5979921, MONDO:0018772.
Nephronophthisis. Also called: Juvenile Nephronophthisis. Identifiers: Orphanet 655, MedGen C0687120, MONDO:0019005, HP:0000090.
Meckel-Gruber syndrome. Also called: DYSENCEPHALIA SPLANCHNOCYSTICA; GRUBER SYNDROME; Dysencephalia splachnocystica. Identifiers: Orphanet 564, MedGen C0265215, MONDO:0018921.

Submission:

Labcorp Genetics (formerly Invitae), Labcorp
Classification: Uncertain significance for Joubert syndrome; Meckel-Gruber syndrome; Nephronophthisis. Last evaluated: 2022-02-18. Review status: criteria provided, single submitter. Criteria: Invitae Variant Classification Sherloc (09022015). Collection method: clinical testing. Allele origin: germline.
Comment: This sequence change replaces serine, which is neutral and polar, with phenylalanine, which is neutral and non-polar, at codon 1054 of the CEP290 protein (p.Ser1054Phe). This variant is not present in population databases (gnomAD no frequency). This variant has not been reported in the literature in individuals affected with CEP290-related conditions. Algorithms developed to predict the effect of missense changes on protein structure and function are either unavailable or do not agree on the potential impact of this missense change (SIFT: "Deleterious"; PolyPhen-2: "Probably Damaging"; Align-GVGD: "Class C0"). In summary, the available evidence is currently insufficient to determine the role of this variant in disease. Therefore, it has been classified as a Variant of Uncertain Significance.

NM_025114.4(CEP290):c.3161C>T (p.Ser1054Phe)

Gene: CEP290 (centrosomal protein 290; minus strand). Cytogenetic location: 12q21.32.
Variant type: single nucleotide variant.
Coding change: c.3161C>T on transcript NM_025114.4 (MANE Select); coding-DNA position 3161, C replaced by T.
Protein change: p.Ser1054Phe; replaces serine 1054 with phenylalanine.
Molecular consequence: missense variant.
Genome position (GRCh38, 1-based): chr12:88,093,918, G>A on the plus strand (C>T on the coding strand, the complement: CEP290 is on the minus strand). VCF-style: chr12-88093918-G-A. GRCh37 (hg19) VCF-style: chr12-88487695-G-A.
Other names: short protein forms S1054F.
Identifiers: ClinVar variation 2091781 (VCV002091781.1), dbSNP rs2500279438, ClinGen allele CA386006391.